The following is an entry in ClinVar:

NM_004100.5(EYA4):c.1793A>G (p.Tyr598Cys)

Genes: TARID (TCF21 antisense RNA inducing promoter demethylation; minus strand), EYA4 (EYA transcriptional coactivator and phosphatase 4; plus strand). Cytogenetic location: 6q23.2.
Variant type: single nucleotide variant.
Coding change: c.1793A>G on transcript NM_004100.5 (MANE Select); coding-DNA position 1793, A replaced by G.
Protein change: p.Tyr598Cys; replaces tyrosine 598 with cysteine.
Molecular consequence: missense variant. On other transcripts: intron variant (3).
Genome position (GRCh38, 1-based): chr6:133,525,208, A>G. VCF-style: chr6-133525208-A-G. GRCh37 (hg19) VCF-style: chr6-133846346-A-G.
Other names: c.1811A>G, p.Tyr604Cys (NM_001301013.2); c.1649A>G, p.Tyr550Cys (NM_001370459.1); c.1724A>G, p.Tyr575Cys (NM_172103.4); c.1839+93A>G (NM_172105.4); c.1770+93A>G (NM_001370458.1); c.1677+93A>G (NM_001301012.2); short protein forms Y550C, Y575C, Y598C, Y604C.
Identifiers: ClinVar variation 1417791 (VCV001417791.8), dbSNP rs1800533785, ClinGen allele CA365700767.
Genomic context (GRCh38, chr6:133,525,208, plus strand): 5'-TTCCAGGAAAAGAAAGTTGCTTTGAACGAATAATGCAAAGGTTTGGCAGAAAAGTAGTGT[A>G]TGTTGTAATTGGGGATGGTGTAGAAGAAGAACAGGCAGCAAAAAAGGTAACCTGTCTCAA-3'
Protein context (NP_004091.3, residues 588-608): IMQRFGRKVV[Tyr598Cys]VVIGDGVEEE

ClinVar aggregate classification (germline): Uncertain significance (1 of 4 stars; one submission).

Conditions:
Dilated cardiomyopathy 1J (CMD1J). Also called: CARDIOMYOPATHY, DILATED, WITH SENSORINEURAL HEARING LOSS, AUTOSOMAL DOMINANT. Identifiers: Orphanet 217622, MedGen C1854368, MONDO:0011541, OMIM 605362.

Allele frequency attached by ClinVar (database versions not stated): TOPMed below 0.00001.

Submission:

Labcorp Genetics (formerly Invitae), Labcorp
Classification: Uncertain significance for Dilated cardiomyopathy 1J. Last evaluated: 2022-03-18. Review status: criteria provided, single submitter. Criteria: Invitae Variant Classification Sherloc (09022015). Collection method: clinical testing. Allele origin: germline.
Comment: This variant is not present in population databases (gnomAD no frequency). This sequence change replaces tyrosine, which is neutral and polar, with cysteine, which is neutral and slightly polar, at codon 598 of the EYA4 protein (p.Tyr598Cys). In summary, the available evidence is currently insufficient to determine the role of this variant in disease. Therefore, it has been classified as a Variant of Uncertain Significance. Algorithms developed to predict the effect of missense changes on protein structure and function (SIFT, PolyPhen-2, Align-GVGD) all suggest that this variant is likely to be disruptive. This variant has not been reported in the literature in individuals affected with EYA4-related conditions.